The following is an entry in ClinVar:

NM_006502.3(POLH):c.-98A>C

Genes: POLH (DNA polymerase eta; plus strand), LOC129996521 (ATAC-STARR-seq lymphoblastoid active region 24604; plus strand). Cytogenetic location: 6p21.1.
Variant type: single nucleotide variant.
Coding change: c.-98A>C on transcript NM_006502.3 (MANE Select); 98 bases upstream of the start codon, A replaced by C.
Molecular consequence: 5 prime UTR variant.
Genome position (GRCh38, 1-based): chr6:43,576,347, A>C. VCF-style: chr6-43576347-A-C. GRCh37 (hg19) VCF-style: chr6-43544084-A-C.
Other names: c.-111A>C (NM_001291969.2); c.-98A>C (NM_001291970.2).
Identifiers: ClinVar variation 356894 (VCV000356894.7), dbSNP rs189835199, ClinGen allele CA10626941.
Genomic context (GRCh38, chr6:43,576,347, plus strand): 5'-GTCACAGGGAATAAATCTCGCTCGAAACTCACTGGACCGCTCCTAGAAAGGCGAAAAGAT[A>C]TTCAGGAGCCCTTCCATTTTCCTTCCAGTAGGCACCGAACCCAGCATTTTCGGCAACCGC-3'

ClinVar aggregate classification (germline): Benign (1 of 4 stars; one submission).

Conditions:
Xeroderma pigmentosum variant type. Also called: POLH-Related Xeroderma Pigmentosum; PHOTOSENSITIVITY WITH DEFECTIVE DNA SYNTHESIS; XERODERMA PIGMENTOSUM WITH NORMAL DNA REPAIR RATES. Identifiers: Orphanet 90342, MedGen C1848410, MONDO:0010214, OMIM 278750.

Allele frequency attached by ClinVar (database versions not stated): gnomAD 0.00524 and 0.00498; 1000 Genomes Project 30x 0.00547; gnomAD exomes 0.00230; 1000 Genomes Project 0.00459; TOPMed 0.00557.
gnomAD v4.1: 748 of 152,786 alleles (0.49%); highest among the groups gnomAD compares: African/African-American, 1.6%; 5 homozygotes.

Submission:

Illumina Laboratory Services, Illumina
Classification: Benign for Xeroderma pigmentosum variant type. Last evaluated: 2018-01-13. Review status: criteria provided, single submitter. Criteria: ICSL Variant Classification Criteria 13 December 2019. Collection method: clinical testing. Allele origin: germline.
Comment: This variant was observed in the ICSL laboratory as part of a predisposition screen in an ostensibly healthy population. It had not been previously curated by ICSL or reported in the Human Gene Mutation Database (HGMD: prior to June 1st, 2018), and was therefore a candidate for classification through an automated scoring system. Utilizing variant allele frequency, disease prevalence and penetrance estimates, and inheritance mode, an automated score was calculated to assess if this variant is too frequent to cause the disease. Based on the score and internal cut-off values, a variant classified as benign is not then subjected to further curation. The score for this variant resulted in a classification of benign for this disease.